The following is an entry in ClinVar:

ClinVar aggregate classification (germline): Likely benign (1 of 4 stars; one submission).

Allele frequency attached by ClinVar (database versions not stated): 1000 Genomes Project 30x 0.00031; gnomAD 0.00034; TOPMed 0.00034; 1000 Genomes Project 0.00040; ExAC 0.00057; ESP Exome Variant Server 0.00092.
gnomAD v4.1: 715 of 1,589,330 alleles (0.045%); highest among the groups gnomAD compares: South Asian, 0.054%; 1 homozygote.

Submission:

CeGaT Center for Human Genetics Tuebingen
Classification: Likely benign. Last evaluated: 2022-09-01. Review status: criteria provided, single submitter. Criteria: CeGaT Center For Human Genetics Tuebingen Variant Classification Criteria Version 2. Collection method: clinical testing. Allele origin: germline. Affected: yes. Observed: 1 variant allele.
Comment: PIWIL4: BP4, BP7

NM_152431.3(PIWIL4):c.1944G>A (p.Arg648=)

Genes: PIWIL4 (piwi like RNA-mediated gene silencing 4; plus strand), PIWIL4-AS1 (PIWIL4 antisense RNA 1; minus strand). Cytogenetic location: 11q21.
Variant type: single nucleotide variant.
Coding change: c.1944G>A on transcript NM_152431.3 (MANE Select); coding-DNA position 1944, G replaced by A.
Protein change: p.Arg648=; no amino-acid change (arginine 648 retained).
Molecular consequence: synonymous variant.
Genome position (GRCh38, 1-based): chr11:94,616,493, G>A. VCF-style: chr11-94616493-G-A. GRCh37 (hg19) VCF-style: chr11-94349659-G-A.
Identifiers: ClinVar variation 2642299 (VCV002642299.24), dbSNP rs140818509, ClinGen allele CA6236644.